The following is an entry in ClinVar:

ClinVar aggregate classification (germline): Uncertain significance. Review status: criteria provided, multiple submitters, no conflicts (2 of 4 stars). 2 submissions from 2 submitters: Uncertain significance (2). Last evaluated 2025-12-15.

Conditions:
Hyperlipidemia due to hepatic triglyceride lipase deficiency. Also called: LIPC DEFICIENCY. Identifiers: Orphanet 140905, MedGen C3151466, MONDO:0013533, OMIM 614025.

Allele frequency attached by ClinVar (database versions not stated): ExAC 0.00010; ESP Exome Variant Server 0.00015; TOPMed 0.00018.
gnomAD v4.1: 313 of 1,603,850 alleles (0.02%); highest among the groups gnomAD compares: African/African-American, 0.032%; no homozygotes.

Submissions (2):

Labcorp Genetics (formerly Invitae), Labcorp
Classification: Uncertain significance. Last evaluated: 2025-12-15. Review status: criteria provided, single submitter. Criteria: Invitae Variant Classification Sherloc (09022015). Collection method: clinical testing. Allele origin: germline.
Comment: This sequence change replaces arginine, which is basic and polar, with histidine, which is basic and polar, at codon 329 of the LIPC protein (p.Arg329His). This variant is present in population databases (rs149195239, gnomAD 0.02%). This missense change has been observed in individual(s) with dyslipidemia (PMID: 36325899). ClinVar contains an entry for this variant (Variation ID: 886011). Invitae Evidence Modeling of protein sequence and biophysical properties (such as structural, functional, and spatial information, amino acid conservation, physicochemical variation, residue mobility, and thermodynamic stability) indicates that this missense variant is not expected to disrupt LIPC protein function with a negative predictive value of 80%. In summary, the available evidence is currently insufficient to determine the role of this variant in disease. Therefore, it has been classified as a Variant of Uncertain Significance.

Illumina Laboratory Services, Illumina
Classification: Uncertain significance for Hyperlipidemia due to hepatic triglyceride lipase deficiency. Last evaluated: 2018-01-13. Review status: criteria provided, single submitter. Criteria: ICSL Variant Classification Criteria 13 December 2019. Collection method: clinical testing. Allele origin: germline.

Literature cited by the submitters: PubMed 36325899 (cited by Labcorp Genetics (formerly Invitae), Labcorp).

NM_000236.3(LIPC):c.986G>A (p.Arg329His)

Gene: LIPC (lipase C, hepatic type; plus strand). Cytogenetic location: 15q21.3.
Variant type: single nucleotide variant.
Coding change: c.986G>A on transcript NM_000236.3 (MANE Select); coding-DNA position 986, G replaced by A.
Protein change: p.Arg329His; replaces arginine 329 with histidine.
Molecular consequence: missense variant.
Genome position (GRCh38, 1-based): chr15:58,548,507, G>A. VCF-style: chr15-58548507-G-A. GRCh37 (hg19) VCF-style: chr15-58840706-G-A.
Other names: short protein forms R329H.
Identifiers: ClinVar variation 886011 (VCV000886011.11), dbSNP rs149195239, ClinGen allele CA7585065.